The following is an entry in ClinVar:

NM_000051.4(ATM):c.2921C>G (p.Ser974Cys)

Gene: ATM (ATM serine/threonine kinase; plus strand). Cytogenetic location: 11q22.3.
Variant type: single nucleotide variant.
Coding change: c.2921C>G on transcript NM_000051.4 (MANE Select); coding-DNA position 2921, C replaced by G.
Protein change: p.Ser974Cys; replaces serine 974 with cysteine.
Molecular consequence: missense variant.
Genome position (GRCh38, 1-based): chr11:108,271,146, C>G. VCF-style: chr11-108271146-C-G. GRCh37 (hg19) VCF-style: chr11-108141873-C-G.
Other names: c.2921C>G, p.Ser974Cys (NM_001351834.2); short protein forms S974C.
Identifiers: ClinVar variation 187284 (VCV000187284.26), dbSNP rs538105098, ClinGen allele CA197242.

ClinVar aggregate classification (germline): Uncertain significance. Review status: criteria provided, multiple submitters, no conflicts (2 of 4 stars). 6 submissions from 6 submitters: Uncertain significance (6). Last evaluated 2025-11-05.

Conditions:
Hereditary cancer-predisposing syndrome. Also called: Neoplastic Syndromes, Hereditary; Hereditary neoplastic syndrome; Tumor predisposition; Hereditary Cancer Syndrome. Identifiers: Orphanet 140162, MedGen C0027672, MeSH D009386, MONDO:0015356.
Familial cancer of breast. Also called: BREAST CANCER, FAMILIAL; Hereditary breast cancer; hereditary breast carcinoma. Identifiers: Orphanet 227535, MedGen C0346153, MONDO:0016419, OMIM 114480. Disease mechanism: loss of function.
Ataxia-telangiectasia syndrome (AT). Also called: LOUIS-BAR SYNDROME; Ataxia-telangiectasia, complementation group D; AT, COMPLEMENTATION GROUP C; ATAXIA-TELANGIECTASIA, COMPLEMENTATION GROUP A; ATAXIA-TELANGIECTASIA, FRESNO VARIANT; Ataxia-telangiectasia. Identifiers: Orphanet 100, MedGen C0004135, MONDO:0008840, OMIM 208900.

gnomAD v4.1: 3 of 1,613,450 alleles (0.00019%); highest among the groups gnomAD compares: Middle Eastern, 0.016%; no homozygotes.

Submissions (6):

Labcorp Genetics (formerly Invitae), Labcorp
Classification: Uncertain significance for Ataxia-telangiectasia syndrome. Last evaluated: 2025-11-05. Review status: criteria provided, single submitter. Criteria: Invitae Variant Classification Sherloc (09022015). Collection method: clinical testing. Allele origin: germline.
Comment: This sequence change replaces serine, which is neutral and polar, with cysteine, which is neutral and slightly polar, at codon 974 of the ATM protein (p.Ser974Cys). This variant is not present in population databases (gnomAD no frequency). This variant has not been reported in the literature in individuals affected with ATM-related conditions. ClinVar contains an entry for this variant (Variation ID: 187284). An algorithm developed to predict the effect of missense changes on protein structure and function (PolyPhen-2) suggests that this variant is likely to be disruptive. In summary, the available evidence is currently insufficient to determine the role of this variant in disease. Therefore, it has been classified as a Variant of Uncertain Significance.

Ambry Genetics
Classification: Uncertain significance for Hereditary cancer-predisposing syndrome. Last evaluated: 2025-05-01. Review status: criteria provided, single submitter. Criteria: Ambry Variant Classification Scheme 2023. Collection method: clinical testing. Allele origin: germline.
Comment: The p.S974C variant (also known as c.2921C>G), located in coding exon 18 of the ATM gene, results from a C to G substitution at nucleotide position 2921. The amino acid change results in serine to cysteine at codon 974, an amino acid with dissimilar properties. This amino acid position is well conserved in available vertebrate species. In addition, the in silico prediction for this alteration is inconclusive. Based on the available evidence, the clinical significance of this variant remains unclear.

GeneDx
Classification: Uncertain significance. Last evaluated: 2023-07-18. Review status: criteria provided, single submitter. Criteria: GeneDx Variant Classification Process June 2021. Collection method: clinical testing. Allele origin: germline.
Comment: Not observed at significant frequency in large population cohorts (gnomAD); In silico analysis supports that this missense variant does not alter protein structure/function; Has not been previously published as pathogenic or benign to our knowledge; This variant is associated with the following publications: (PMID: 19781682)

Color Diagnostics, LLC DBA Color Health
Classification: Uncertain significance for Hereditary cancer-predisposing syndrome. Last evaluated: 2020-07-20. Review status: criteria provided, single submitter. Criteria: ACMG Guidelines, 2015. Collection method: clinical testing. Allele origin: germline.
Comment: This missense variant replaces serine with cysteine at codon 974 of the ATM protein. Computational prediction suggests that this variant may not impact protein structure and function (internally defined REVEL score threshold <= 0.5, PMID: 27666373). To our knowledge, functional studies have not been reported for this variant. This variant has not been reported in individuals affected with hereditary cancer in the literature. This variant has not been identified in the general population by the Genome Aggregation Database (gnomAD). The available evidence is insufficient to determine the role of this variant in disease conclusively. Therefore, this variant is classified as a Variant of Uncertain Significance.

Fulgent Genetics
Classification: Uncertain significance for Familial cancer of breast; Ataxia-telangiectasia syndrome. Last evaluated: 2018-10-31. Review status: criteria provided, single submitter. Criteria: ACMG Guidelines, 2015. Collection method: clinical testing. Allele origin: unknown.

Eurofins Ntd Llc (ga)
Classification: Uncertain significance. Last evaluated: 2017-01-19. Review status: criteria provided, single submitter. Criteria: EGL Classification Definitions 2015. Collection method: clinical testing. Allele origin: germline. Observed: 1 variant allele, 1 heterozygote.